The following is an entry in ClinVar:

ClinVar aggregate classification (germline): Uncertain significance (1 of 4 stars; one submission).

Conditions:
Cardiovascular phenotype. Identifiers: MedGen CN230736.

Allele frequency attached by ClinVar (database versions not stated): ExAC 0.00001; TOPMed 0.00001; ESP Exome Variant Server 0.00008; gnomAD exomes 0.00001.
gnomAD v4.1: 10 of 1,614,220 alleles (0.00062%); highest among the groups gnomAD compares: Non-Finnish European, 0.00085%; no homozygotes.

Submission:

Ambry Genetics
Classification: Uncertain significance for Cardiovascular phenotype. Last evaluated: 2026-09-11. Review status: criteria provided, single submitter. Criteria: Ambry Variant Classification Scheme 2023. Collection method: clinical testing. Allele origin: germline.
Comment: The p.N1869S variant (also known as c.5606A>G), located in coding exon 26 of the APOB gene, results from an A to G substitution at nucleotide position 5606. The asparagine at codon 1869 is replaced by serine, an amino acid with highly similar properties. This amino acid position is conserved. In addition, this alteration is predicted to be tolerated by in silico analysis. Based on the available evidence, the clinical significance of this variant remains unclear.

NM_000384.3(APOB):c.5606A>G (p.Asn1869Ser)

Gene: APOB (apolipoprotein B; minus strand). Cytogenetic location: 2p24.1.
Variant type: single nucleotide variant.
Coding change: c.5606A>G on transcript NM_000384.3 (MANE Select); coding-DNA position 5606, A replaced by G.
Protein change: p.Asn1869Ser; replaces asparagine 1869 with serine.
Molecular consequence: missense variant.
Genome position (GRCh38, 1-based): chr2:21,011,262, T>C on the plus strand (A>G on the coding strand, the complement: APOB is on the minus strand). VCF-style: chr2-21011262-T-C. GRCh37 (hg19) VCF-style: chr2-21234134-T-C.
Other names: short protein forms N1869S.
Identifiers: ClinVar variation 2562366 (VCV002562366.3), dbSNP rs141167034, ClinGen allele CA062262.